The following is an entry in ClinVar:

NM_003803.4(MYOM1):c.4772A>G (p.Asn1591Ser)

Gene: MYOM1 (myomesin 1; minus strand). Cytogenetic location: 18p11.31.
Variant type: single nucleotide variant.
Coding change: c.4772A>G on transcript NM_003803.4 (MANE Select); coding-DNA position 4772, A replaced by G.
Protein change: p.Asn1591Ser; replaces asparagine 1591 with serine.
Molecular consequence: missense variant.
Genome position (GRCh38, 1-based): chr18:3,067,548, T>C on the plus strand (A>G on the coding strand, the complement: MYOM1 is on the minus strand). VCF-style: chr18-3067548-T-C. GRCh37 (hg19) VCF-style: chr18-3067546-T-C.
Other names: c.4484A>G, p.Asn1495Ser (NM_019856.2); short protein forms N1495S, N1591S.
Identifiers: ClinVar variation 2796356 (VCV002796356.3), dbSNP rs2510433613, ClinGen allele CA401705631.

ClinVar aggregate classification (germline): Uncertain significance (1 of 4 stars; one submission).

Conditions:
Hypertrophic cardiomyopathy. Also called: HYPERTROPHIC MYOCARDIOPATHY. Identifiers: Orphanet 217569, MedGen C0007194, MeSH D002312, MONDO:0005045, HP:0001639.

Submission:

Labcorp Genetics (formerly Invitae), Labcorp
Classification: Uncertain significance for Hypertrophic cardiomyopathy. Last evaluated: 2023-07-25. Review status: criteria provided, single submitter. Criteria: Invitae Variant Classification Sherloc (09022015). Collection method: clinical testing. Allele origin: germline.
Comment: This sequence change replaces asparagine, which is neutral and polar, with serine, which is neutral and polar, at codon 1591 of the MYOM1 protein (p.Asn1591Ser). In summary, the available evidence is currently insufficient to determine the role of this variant in disease. Therefore, it has been classified as a Variant of Uncertain Significance. Advanced modeling of protein sequence and biophysical properties (such as structural, functional, and spatial information, amino acid conservation, physicochemical variation, residue mobility, and thermodynamic stability) performed at Invitae indicates that this missense variant is expected to disrupt MYOM1 protein function. This variant has not been reported in the literature in individuals affected with MYOM1-related conditions. This variant is not present in population databases (gnomAD no frequency).